The following is an entry in ClinVar:

ClinVar aggregate classification (germline): Conflicting classifications of pathogenicity. Review status: criteria provided, conflicting classifications (1 of 4 stars). 3 submissions from 3 submitters: Uncertain significance (2); Likely benign (1). Last evaluated 2023-03-23.

Conditions:
Hereditary cancer-predisposing syndrome. Also called: Tumor predisposition; Hereditary neoplastic syndrome; Neoplastic Syndromes, Hereditary; Hereditary Cancer Syndrome. Identifiers: Orphanet 140162, MedGen C0027672, MeSH D009386, MONDO:0015356.
Hereditary breast ovarian cancer syndrome. Also called: Hereditary breast and ovarian cancer syndrome (HBOC); Breast and ovarian cancer; BRCA1- and BRCA2-Associated Hereditary Breast and Ovarian Cancer; Hereditary breast and/or ovarian cancer syndrome; Hereditary breast and ovarian cancer syndrome; Hereditary breast and ovarian cancer. Identifiers: Orphanet 145, MedGen C0677776, MeSH D061325, MONDO:0003582. Disease mechanism: loss of function.

Submissions (3):

University of Washington Department of Laboratory Medicine, University of Washington
Classification: Likely benign for Hereditary cancer-predisposing syndrome. Last evaluated: 2023-03-23. Review status: criteria provided, single submitter. Criteria: Dines et al. (Genet Med. 2020). Collection method: curation. Allele origin: germline.
Comment: Missense variant in a coldspot region where missense variants are very unlikely to be pathogenic (PMID:31911673).

BRCA1 coldspot (exon 11 using historical exon numbering). Reclassification based on statistical prior probability

Labcorp Genetics (formerly Invitae), Labcorp
Classification: Uncertain significance for Hereditary breast ovarian cancer syndrome. Last evaluated: 2021-01-28. Review status: criteria provided, single submitter. Criteria: Invitae Variant Classification Sherloc (09022015). Collection method: clinical testing. Allele origin: germline.
Comment: In summary, the available evidence is currently insufficient to determine the role of this variant in disease. Therefore, it has been classified as a Variant of Uncertain Significance. Advanced modeling of protein sequence and biophysical properties (such as structural, functional, and spatial information, amino acid conservation, physicochemical variation, residue mobility, and thermodynamic stability) performed at Invitae indicates that this missense variant is not expected to disrupt BRCA1 protein function. This variant has not been reported in the literature in individuals with BRCA1-related conditions. ClinVar contains an entry for this variant (Variation ID: 818970). This variant is not present in population databases (ExAC no frequency). This sequence change replaces glutamic acid with glycine at codon 445 of the BRCA1 protein (p.Glu445Gly). The glutamic acid residue is moderately conserved and there is a moderate physicochemical difference between glutamic acid and glycine.

Ambry Genetics
Classification: Uncertain significance for Hereditary cancer-predisposing syndrome. Last evaluated: 2018-02-06. Review status: criteria provided, single submitter. Criteria: Ambry Variant Classification Scheme 2023. Collection method: clinical testing. Allele origin: germline.
Comment: The p.E445G variant (also known as c.1334A>G), located in coding exon 9 of the BRCA1 gene, results from an A to G substitution at nucleotide position 1334. The glutamic acid at codon 445 is replaced by glycine, an amino acid with similar properties. This amino acid position is not well conserved in available vertebrate species. In addition, the in silico prediction for this alteration is inconclusive. Since supporting evidence is limited at this time, the clinical significance of this alteration remains unclear.

NM_007294.4(BRCA1):c.1334A>G (p.Glu445Gly)

Gene: BRCA1 (BRCA1 DNA repair associated; minus strand). Cytogenetic location: 17q21.31.
Variant type: single nucleotide variant.
Coding change: c.1334A>G on transcript NM_007294.4 (MANE Select); coding-DNA position 1334, A replaced by G.
Protein change: p.Glu445Gly; replaces glutamic acid 445 with glycine.
Molecular consequence: missense variant. On other transcripts: intron variant (137).
Genome position (GRCh38, 1-based): chr17:43,094,197, T>C on the plus strand (A>G on the coding strand, the complement: BRCA1 is on the minus strand). VCF-style: chr17-43094197-T-C. GRCh37 (hg19) VCF-style: chr17-41246214-T-C.
Other names: c.1331A>G, p.Glu444Gly (NM_001407611.1, NM_001407612.1, NM_001407613.1 and 22 more transcripts); c.1334A>G, p.Glu445Gly (NM_001407616.1, NM_001407617.1, NM_001407618.1 and 30 more transcripts); c.1001A>G, p.Glu334Gly (NM_001407949.1, NM_001407950.1, NM_001407951.1 and 6 more transcripts); c.998A>G, p.Glu333Gly (NM_001407954.1, NM_001407955.1, NM_001407956.1 and 1 more transcripts); c.953A>G, p.Glu318Gly (NM_001407959.1, NM_001407960.1, NM_001407963.1); c.950A>G, p.Glu317Gly (NM_001407962.1); c.1190A>G, p.Glu397Gly (NM_001407964.1, NM_001407740.1, NM_001407741.1 and 20 more transcripts); c.830A>G, p.Glu277Gly (NM_001407965.1); and 40 more; short protein forms E445G, E398G, E318G, E333G, E403G, E418G, E442G, E317G.
Identifiers: ClinVar variation 818970 (VCV000818970.15), dbSNP rs1597876729, ClinGen allele CA10599382.